The following is an entry in ClinVar:

NM_025137.4(SPG11):c.7148A>C (p.Lys2383Thr)

Gene: SPG11 (SPG11 vesicle trafficking associated, spatacsin; minus strand). Cytogenetic location: 15q21.1.
Variant type: single nucleotide variant.
Coding change: c.7148A>C on transcript NM_025137.4 (MANE Select); coding-DNA position 7148, A replaced by C.
Protein change: p.Lys2383Thr; replaces lysine 2383 with threonine.
Molecular consequence: missense variant.
Genome position (GRCh38, 1-based): chr15:44,564,550, T>G on the plus strand (A>C on the coding strand, the complement: SPG11 is on the minus strand). VCF-style: chr15-44564550-T-G. GRCh37 (hg19) VCF-style: chr15-44856748-T-G.
Other names: c.6809A>C, p.Lys2270Thr (NM_001160227.2); c.7004A>C, p.Lys2335Thr (NM_001411132.1); short protein forms K2270T, K2335T, K2383T.
Identifiers: ClinVar variation 3626133 (VCV003626133.1).
Genomic context (GRCh38, chr15:44,564,550, plus strand): 5'-GTCTCACCTCAAAGCAGAGGCAAGGAGCAATGTTTACAGTCAACTTTTAATACTTACTTT[T>G]TGGAAATCTCTTCAAATATACTGGACTTTAATAACCTTTGCTGCTTAAATTCTTCCAAGT-3'
Protein context (NP_079413.3, residues 2373-2393): LKSSIFEEIS[Lys2383Thr]KYKQHQPTDM

ClinVar aggregate classification (germline): Uncertain significance (1 of 4 stars; one submission).

Conditions:
Hereditary spastic paraplegia 11. Also called: Nakamura Osame syndrome; Autosomal recessive hereditary spastic paraplegia, mental impairment, and thin corpus callosum; Spastic paraplegia, mental retardation and thin corpus callosum; SPASTIC PARAPLEGIA, AUTOSOMAL RECESSIVE, COMPLICATED, WITH THIN CORPUS CALLOSUM; SPASTIC PARAPLEGIA, AUTOSOMAL RECESSIVE, WITH MENTAL IMPAIRMENT AND THIN CORPUS CALLOSUM; Spastic Paraplegia 11. Identifiers: Orphanet 2822, MedGen C1858479, MONDO:0011445, OMIM 604360.

Submission:

Labcorp Genetics (formerly Invitae), Labcorp
Classification: Uncertain significance for Hereditary spastic paraplegia 11. Last evaluated: 2024-11-05. Review status: criteria provided, single submitter. Criteria: Invitae Variant Classification Sherloc (09022015). Collection method: clinical testing. Allele origin: germline.
Comment: This sequence change replaces lysine, which is basic and polar, with threonine, which is neutral and polar, at codon 2383 of the SPG11 protein (p.Lys2383Thr). This variant is not present in population databases (gnomAD no frequency). This variant has not been reported in the literature in individuals affected with SPG11-related conditions. Invitae Evidence Modeling of protein sequence and biophysical properties (such as structural, functional, and spatial information, amino acid conservation, physicochemical variation, residue mobility, and thermodynamic stability) indicates that this missense variant is not expected to disrupt SPG11 protein function with a negative predictive value of 80%. In summary, the available evidence is currently insufficient to determine the role of this variant in disease. Therefore, it has been classified as a Variant of Uncertain Significance.